The following is an entry in ClinVar:

NM_015512.5(DNAH1):c.4987C>G (p.Arg1663Gly)

Gene: DNAH1 (dynein axonemal heavy chain 1; plus strand). Cytogenetic location: 3p21.1.
Variant type: single nucleotide variant.
Coding change: c.4987C>G on transcript NM_015512.5 (MANE Select); coding-DNA position 4987, C replaced by G.
Protein change: p.Arg1663Gly; replaces arginine 1663 with glycine.
Molecular consequence: missense variant.
Genome position (GRCh38, 1-based): chr3:52,362,394, C>G. VCF-style: chr3-52362394-C-G. GRCh37 (hg19) VCF-style: chr3-52396410-C-G.
Other names: short protein forms R1663G.
Identifiers: ClinVar variation 1448564 (VCV001448564.7), dbSNP rs17052097, ClinGen allele CA74751709.

ClinVar aggregate classification (germline): Uncertain significance. Review status: criteria provided, multiple submitters, no conflicts (2 of 4 stars). 2 submissions from 2 submitters: Uncertain significance (2). Last evaluated 2024-08-02.

Conditions:
Spermatogenic failure 18. Identifiers: MedGen C4539783, MONDO:0054615, OMIM 617576.
Ciliary dyskinesia, primary, 37 (CILD37). Also called: CILIARY DYSKINESIA, PRIMARY, 37, WITH OR WITHOUT SITUS INVERSUS. Identifiers: MedGen C4539798, MONDO:0033204, OMIM 617577.

gnomAD v4.1: 5 of 1,613,334 alleles (0.00031%); highest among the groups gnomAD compares: Non-Finnish European, 0.00025%; no homozygotes.

Submissions (2):

Blueprint Genetics
Classification: Uncertain significance. Last evaluated: 2024-08-02. Review status: criteria provided, single submitter. Criteria: ACMG Guidelines, 2015. Collection method: clinical testing. Allele origin: germline.

Labcorp Genetics (formerly Invitae), Labcorp
Classification: Uncertain significance for Ciliary dyskinesia, primary, 37; Spermatogenic failure 18. Last evaluated: 2022-10-26. Review status: criteria provided, single submitter. Criteria: Invitae Variant Classification Sherloc (09022015). Collection method: clinical testing. Allele origin: germline.
Comment: In summary, the available evidence is currently insufficient to determine the role of this variant in disease. Therefore, it has been classified as a Variant of Uncertain Significance. Advanced modeling of protein sequence and biophysical properties (such as structural, functional, and spatial information, amino acid conservation, physicochemical variation, residue mobility, and thermodynamic stability) performed at Invitae indicates that this missense variant is not expected to disrupt DNAH1 protein function. ClinVar contains an entry for this variant (Variation ID: 1448564). This variant has not been reported in the literature in individuals affected with DNAH1-related conditions. This variant is present in population databases (no rsID available, gnomAD 0.0008%). This sequence change replaces arginine, which is basic and polar, with glycine, which is neutral and non-polar, at codon 1663 of the DNAH1 protein (p.Arg1663Gly).